The following is an entry in ClinVar:

NR_003051.4(RMRP):n.195G>C

Gene: RMRP (RNA component of mitochondrial RNA processing endoribonuclease; minus strand). Cytogenetic location: 9p13.3.
Variant type: single nucleotide variant.
Genome position: GRCh38 VCF-style: chr9-35657825-C-G. GRCh37 (hg19) VCF-style: chr9-35657822-C-G.
Identifiers: ClinVar variation 1478325 (VCV001478325.5), dbSNP rs761398394, ClinGen allele CA464450591.

ClinVar aggregate classification (germline): Uncertain significance. Review status: reviewed by expert panel (3 of 4 stars). 3 submissions from 3 submitters: Uncertain significance (1). 2 of the submissions do not count toward it. Last evaluated 2025-09-10.

Conditions:
Anauxetic dysplasia. Identifiers: Orphanet 93347, MedGen C1846796, MONDO:0011773.
Metaphyseal chondrodysplasia, McKusick type (CHH). Also called: Cartilage-Hair Hypoplasia (CHH); Cartilage-hair hypoplasia. Identifiers: Orphanet 175, MedGen C0220748, MONDO:0009595, OMIM 250250.

gnomAD v4.1: 1 of 700,448 alleles (0.00014%); highest among the groups gnomAD compares: Non-Finnish European, 0.00026%; no homozygotes.

Submissions (3):

ClinGen Severe Combined Immunodeficiency Variant Curation Expert Panel, ClinGen
Classification: Uncertain significance for Metaphyseal chondrodysplasia, McKusick type. Last evaluated: 2025-09-10. Review status: reviewed by expert panel. Criteria: ClinGen SCID ACMG Specifications RMRP V1.2.0. Collection method: curation. Allele origin: germline. Inheritance: Autosomal recessive inheritance.
Comment: The NR_003051.4:n.195G>C variant in RMRP gene (NC_000009.12:g.35657825C>G, ClinVar ID: 1478325) has a highest population minor allele frequency of 0.000002599 (1/384818 alleles) in European (non-Finnish) population in gnomAD v4.1.0, which is lower than the SCID-VCEP threshold (<0.0000447) for PM2_Supporting. No homozygous individual was observed (PM2_Supporting). The variant has not been observed in patient with cartilage-hair hypoplasia. The SNP effect on local RNA secondary structure calculated by RNAsnp is p=0.9352, which is higher than the cutoff (p<0.01) defined by the SCID VCEP (PP3 not met). However, the variant affects the same nucleotide as the NR_003051.4:n.195G>A variant (NC_000009.12:g.35657825C>T, ClinVar ID 928882), which was classified as a likely pathogenic variant by the SCID VCEP (PS1_Supporting). Due to insufficient evidence, this variant is classified as a variant of uncertain significance for cartilage-hair hypoplasia. ACMG/AMP criteria applied, as specified by the ClinGen SCID-VCEP: PM2_Supporting, PS1_Supporting. (VCEP specifications version 1.0.0)

Women's Health and Genetics/Laboratory Corporation of America, LabCorp
Classification: Uncertain significance. Last evaluated: 2024-05-31. Review status: criteria provided, single submitter. Criteria: LabCorp Variant Classification Summary - May 2015. Collection method: clinical testing. Allele origin: germline. Not counted in ClinVar's aggregate classification.
Comment: Variant summary: RMRP n.194G>C alters a nucleotide in the non-coding RNA. The variant was absent in 130340 control chromosomes (gnomAD). The available data on variant occurrences in the general population are insufficient to allow any conclusion about variant significance. To our knowledge, no occurrence of n.194G>C in individuals affected with Cartilage-Hair Hypoplasia and no experimental evidence demonstrating its impact have been reported. ClinVar contains an entry for this variant (Variation ID: 1478325). Based on the evidence outlined above, the variant was classified as uncertain significance.

Labcorp Genetics (formerly Invitae), Labcorp
Classification: Uncertain significance for Anauxetic dysplasia. Last evaluated: 2021-05-18. Review status: criteria provided, single submitter. Criteria: Invitae Variant Classification Sherloc (09022015). Collection method: clinical testing. Allele origin: germline. Not counted in ClinVar's aggregate classification.
Comment: This variant occurs in the RMRP gene, which encodes an RNA molecule that does not result in a protein product. The frequency data for this variant in the population databases is considered unreliable, as metrics indicate insufficient coverage at this position in the ExAC database. This variant has not been reported in the literature in individuals with RMRP-related conditions. Experimental studies and prediction algorithms are not available or were not evaluated, and the functional significance of this variant is currently unknown. In summary, the available evidence is currently insufficient to determine the role of this variant in disease. Therefore, it has been classified as a Variant of Uncertain Significance.